The following is an entry in ClinVar:

NM_005733.3(KIF20A):c.131C>G (p.Ser44Cys)

Gene: KIF20A (kinesin family member 20A; plus strand). Cytogenetic location: 5q31.2.
Variant type: single nucleotide variant.
Coding change: c.131C>G on transcript NM_005733.3 (MANE Select); coding-DNA position 131, C replaced by G.
Protein change: p.Ser44Cys; replaces serine 44 with cysteine.
Molecular consequence: missense variant.
Genome position (GRCh38, 1-based): chr5:138,179,811, C>G. VCF-style: chr5-138179811-C-G. GRCh37 (hg19) VCF-style: chr5-137515500-C-G.
Other names: short protein forms S44C.
Identifiers: ClinVar variation 4692481 (VCV004692481.1).

ClinVar aggregate classification (germline): Uncertain significance (1 of 4 stars; one submission).

gnomAD v4.1: 1 of 1,614,064 alleles (0.000062%); highest among the groups gnomAD compares: Admixed American, 0.0017%; no homozygotes.

Submission:

Labcorp Genetics (formerly Invitae), Labcorp
Classification: Uncertain significance. Last evaluated: 2025-04-23. Review status: criteria provided, single submitter. Criteria: Invitae Variant Classification Sherloc (09022015). Collection method: clinical testing. Allele origin: germline.
Comment: This sequence change replaces serine, which is neutral and polar, with cysteine, which is neutral and slightly polar, at codon 44 of the KIF20A protein (p.Ser44Cys). This variant is not present in population databases (gnomAD no frequency). This variant has not been reported in the literature in individuals affected with KIF20A-related conditions. An algorithm developed to predict the effect of missense changes on protein structure and function (PolyPhen-2) suggests that this variant is likely to be disruptive. In summary, the available evidence is currently insufficient to determine the role of this variant in disease. Therefore, it has been classified as a Variant of Uncertain Significance.